The following is an entry in ClinVar:

ClinVar aggregate classification (germline): Pathogenic (1 of 4 stars; one submission).

Conditions:
Hermansky-Pudlak syndrome 2 (HPS2). Also called: Platelet defects and oculocutaneous albinism. Identifiers: Orphanet 183678, Orphanet 79430, MedGen C1842362, MONDO:0011997, OMIM 608233.

Submission:

Labcorp Genetics (formerly Invitae), Labcorp
Classification: Pathogenic for Hermansky-Pudlak syndrome 2. Last evaluated: 2024-04-16. Review status: criteria provided, single submitter. Criteria: Invitae Variant Classification Sherloc (09022015). Collection method: clinical testing. Allele origin: germline.
Comment: This sequence change creates a premature translational stop signal (p.Pro644Ilefs*27) in the AP3B1 gene. It is expected to result in an absent or disrupted protein product. Loss-of-function variants in AP3B1 are known to be pathogenic (PMID: 16507770, 23403622). This variant is not present in population databases (gnomAD no frequency). This variant has not been reported in the literature in individuals affected with AP3B1-related conditions. For these reasons, this variant has been classified as Pathogenic.

Literature cited by the submitters: PubMed 16507770; PubMed 23403622.

NM_003664.5(AP3B1):c.1930_1937del (p.Pro644fs)

Gene: AP3B1 (adaptor related protein complex 3 subunit beta 1; minus strand). Cytogenetic location: 5q14.1.
Variant type: Deletion.
Coding change: c.1930_1937del on transcript NM_003664.5 (MANE Select); coding-DNA positions 1930 to 1937, 8 bases deleted (CCCGACCC; older notation c.1930_1937delCCCGACCC).
Protein change: p.Pro644fs; shifts the reading frame from proline 644.
Molecular consequence: frameshift variant.
Genome position (GRCh38, 1-based): chr5:78,128,061-78,128,068, GGGTCGGG deleted on the plus strand (CCCGACCC on the coding strand, the reverse complement: AP3B1 is on the minus strand). VCF-style (leftmost placement, unchanged base first): chr5-78128060-TGGGTCGGG-T. GRCh37 (hg19) VCF-style: chr5-77423884-TGGGTCGGG-T.
Other names: c.1783_1790del, p.Pro595fs (NM_001271769.2); c.1930_1937del, p.Pro644fs (NM_001410752.1); short protein forms P595fs, P644fs.
Identifiers: ClinVar variation 2749771 (VCV002749771.3), dbSNP rs2530998107, ClinGen allele CA2697547225.